The following is an entry in ClinVar:

ClinVar aggregate classification (germline): Uncertain significance (1 of 4 stars; one submission).

Allele frequency attached by ClinVar (database versions not stated): gnomAD 0.00001; gnomAD exomes 0.00001 and 0.00002; ExAC 0.00002; TOPMed 0.00002.
gnomAD v4.1: 23 of 1,613,192 alleles (0.0014%); highest among the groups gnomAD compares: East Asian, 0.02%; no homozygotes.

Submission:

Labcorp Genetics (formerly Invitae), Labcorp
Classification: Uncertain significance. Last evaluated: 2021-12-03. Review status: criteria provided, single submitter. Criteria: Invitae Variant Classification Sherloc (09022015). Collection method: clinical testing. Allele origin: germline.
Comment: This variant is present in population databases (rs762785514, gnomAD 0.03%). In summary, the available evidence is currently insufficient to determine the role of this variant in disease. Therefore, it has been classified as a Variant of Uncertain Significance. Algorithms developed to predict the effect of missense changes on protein structure and function are either unavailable or do not agree on the potential impact of this missense change (SIFT: "Deleterious"; PolyPhen-2: "Benign"; Align-GVGD: "Class C0"). This variant has not been reported in the literature in individuals affected with HSPG2-related conditions. This sequence change replaces arginine, which is basic and polar, with tryptophan, which is neutral and slightly polar, at codon 3159 of the HSPG2 protein (p.Arg3159Trp).

NM_005529.7(HSPG2):c.9475C>T (p.Arg3159Trp)

Gene: HSPG2 (heparan sulfate proteoglycan 2; minus strand). Cytogenetic location: 1p36.12.
Variant type: single nucleotide variant.
Coding change: c.9475C>T on transcript NM_005529.7 (MANE Select); coding-DNA position 9475, C replaced by T.
Protein change: p.Arg3159Trp; replaces arginine 3159 with tryptophan.
Molecular consequence: missense variant.
Genome position (GRCh38, 1-based): chr1:21,841,139, G>A on the plus strand (C>T on the coding strand, the complement: HSPG2 is on the minus strand). VCF-style: chr1-21841139-G-A. GRCh37 (hg19) VCF-style: chr1-22167632-G-A.
Other names: c.9478C>T, p.Arg3160Trp (NM_001291860.2); short protein forms R3159W, R3160W.
Identifiers: ClinVar variation 1494125 (VCV001494125.6), dbSNP rs762785514, ClinGen allele CA670436.